The following is an entry in ClinVar:

NM_015681.6(B9D1):c.271G>A (p.Gly91Arg)

Gene: B9D1 (B9 domain containing 1; minus strand). Cytogenetic location: 17p11.2.
Variant type: single nucleotide variant.
Coding change: c.271G>A on transcript NM_015681.6 (MANE Select); coding-DNA position 271, G replaced by A.
Protein change: p.Gly91Arg; replaces glycine 91 with arginine.
Molecular consequence: missense variant. On other transcripts: 5 prime UTR variant (1).
Genome position (GRCh38, 1-based): chr17:19,347,854, C>T on the plus strand (G>A on the coding strand, the complement: B9D1 is on the minus strand). VCF-style: chr17-19347854-C-T. GRCh37 (hg19) VCF-style: chr17-19251167-C-T.
Other names: c.271G>A, p.Gly91Arg (NM_001321214.2, NM_001321215.3, NM_001321216.2 and 4 more transcripts); c.-90G>A (NM_001368769.2); short protein forms G91R.
Identifiers: ClinVar variation 947860 (VCV000947860.1), dbSNP rs1238280587, ClinGen allele CA398696857.
Genomic context (GRCh38, chr17:19,347,854, plus strand): 5'-AGAAGGGCACGTGCACGGCCCCATAGCCTCGAACCACATCGTTCCCGAACACATCTGGTC[C>T]ATACACGCTGAGCACGATCTGTGGCCCTTGGGAAGGACAAGGCAGGGGGTGGGCACATGA-3'
Protein context (NP_056496.1, residues 81-101): GWPQIVLSVY[Gly91Arg]PDVFGNDVVR

ClinVar aggregate classification (germline): Uncertain significance (1 of 4 stars; one submission).

Conditions:
Meckel-Gruber syndrome. Also called: Dysencephalia splachnocystica; DYSENCEPHALIA SPLANCHNOCYSTICA; GRUBER SYNDROME. Identifiers: Orphanet 564, MedGen C0265215, MONDO:0018921.
Joubert syndrome. Also called: Familial aplasia of the vermis; CEREBELLOPARENCHYMAL DISORDER IV; JOUBERT-BOLTSHAUSER SYNDROME. Identifiers: Orphanet 475, MedGen C5979921, MONDO:0018772.

Allele frequency attached by ClinVar (database versions not stated): gnomAD exomes below 0.00001.
gnomAD v4.1: 2 of 1,614,152 alleles (0.00012%); highest among the groups gnomAD compares: Non-Finnish European, 0.00017%; no homozygotes.

Submission:

Labcorp Genetics (formerly Invitae), Labcorp
Classification: Uncertain significance for Joubert syndrome; Meckel-Gruber syndrome. Last evaluated: 2019-07-30. Review status: criteria provided, single submitter. Criteria: Invitae Variant Classification Sherloc (09022015). Collection method: clinical testing. Allele origin: germline.
Comment: This sequence change replaces glycine with arginine at codon 91 of the B9D1 protein (p.Gly91Arg). The glycine residue is highly conserved and there is a moderate physicochemical difference between glycine and arginine. This variant is not present in population databases (ExAC no frequency). This variant has not been reported in the literature in individuals with B9D1-related conditions. Algorithms developed to predict the effect of missense changes on protein structure and function (SIFT, PolyPhen-2, Align-GVGD) all suggest that this variant is likely to be disruptive, but these predictions have not been confirmed by published functional studies and their clinical significance is uncertain. In summary, the available evidence is currently insufficient to determine the role of this variant in disease. Therefore, it has been classified as a Variant of Uncertain Significance.